The following is an entry in ClinVar:

ClinVar aggregate classification (germline): Uncertain significance (1 of 4 stars; one submission).

Conditions:
Fanconi anemia (FA). Also called: Fanconi's anemia. Identifiers: Orphanet 84, MedGen C0015625, MeSH D005199, MONDO:0019391.

Submission:

Labcorp Genetics (formerly Invitae), Labcorp
Classification: Uncertain significance for Fanconi anemia. Last evaluated: 2019-05-21. Review status: criteria provided, single submitter. Criteria: Invitae Variant Classification Sherloc (09022015). Collection method: clinical testing. Allele origin: germline.
Comment: This sequence change replaces alanine with serine at codon 505 of the FANCC protein (p.Ala505Ser). The alanine residue is moderately conserved and there is a moderate physicochemical difference between alanine and serine. This variant is not present in population databases (ExAC no frequency). This variant has not been reported in the literature in individuals with FANCC-related conditions. Algorithms developed to predict the effect of missense changes on protein structure and function are either unavailable or do not agree on the potential impact of this missense change (SIFT: "Tolerated"; PolyPhen-2: "Probably Damaging"; Align-GVGD: "Class C0"). In summary, the available evidence is currently insufficient to determine the role of this variant in disease. Therefore, it has been classified as a Variant of Uncertain Significance.

NM_000136.3(FANCC):c.1513G>T (p.Ala505Ser)

Genes: AOPEP (aminopeptidase O (putative); plus strand), FANCC (FA complementation group C; minus strand). Cytogenetic location: 9q22.32.
Variant type: single nucleotide variant.
Coding change: c.1513G>T on transcript NM_000136.3 (MANE Select); coding-DNA position 1513, G replaced by T.
Protein change: p.Ala505Ser; replaces alanine 505 with serine.
Molecular consequence: missense variant.
Genome position (GRCh38, 1-based): chr9:95,107,086, C>A on the plus strand (G>T on the coding strand, the complement: FANCC is on the minus strand). VCF-style: chr9-95107086-C-A. GRCh37 (hg19) VCF-style: chr9-97869368-C-A.
Other names: c.1513G>T, p.Ala505Ser (NM_001243743.2); short protein forms A505S.
Identifiers: ClinVar variation 948811 (VCV000948811.9), dbSNP rs780179187, ClinGen allele CA374105523.
Genomic context (GRCh38, chr9:95,107,086, plus strand): 5'-AGAAATGAGTACTAGGATGCTGGACCACAGGGAGACTTACCAGGGTGATGACATCCCAGG[C>A]GATCGTGTGGCCTCCAGGAGCCCAGAGCAGGAAGTTGAGGAGAAGGTGCCTGATCAGCTG-3'
Protein context (NP_000127.2, residues 495-515): LLWAPGGHTI[Ala505Ser]WDVITLMAHT